The following is an entry in ClinVar:

ClinVar aggregate classification (germline): Uncertain significance (1 of 4 stars; one submission).

gnomAD v4.1: 1 of 1,614,188 alleles (0.000062%); highest among the groups gnomAD compares: Non-Finnish European, 0.000085%; no homozygotes.

Submission:

Labcorp Genetics (formerly Invitae), Labcorp
Classification: Uncertain significance. Last evaluated: 2024-02-19. Review status: criteria provided, single submitter. Criteria: Invitae Variant Classification Sherloc (09022015). Collection method: clinical testing. Allele origin: germline.
Comment: This sequence change replaces threonine, which is neutral and polar, with alanine, which is neutral and non-polar, at codon 188 of the TRPV6 protein (p.Thr188Ala). This variant is present in population databases (rs754917834, gnomAD 0.0009%). This variant has not been reported in the literature in individuals affected with TRPV6-related conditions. Experimental studies and prediction algorithms are not available or were not evaluated, and the functional significance of this variant is currently unknown. In summary, the available evidence is currently insufficient to determine the role of this variant in disease. Therefore, it has been classified as a Variant of Uncertain Significance.

NM_018646.6(TRPV6):c.562A>G (p.Thr188Ala)

Gene: TRPV6 (transient receptor potential cation channel subfamily V member 6; minus strand). Cytogenetic location: 7q34.
Variant type: single nucleotide variant.
Coding change: c.562A>G on transcript NM_018646.6 (MANE Select); coding-DNA position 562, A replaced by G.
Protein change: p.Thr188Ala; replaces threonine 188 with alanine.
Molecular consequence: missense variant.
Genome position (GRCh38, 1-based): chr7:142,877,187, T>C on the plus strand (A>G on the coding strand, the complement: TRPV6 is on the minus strand). VCF-style: chr7-142877187-T-C. GRCh37 (hg19) VCF-style: chr7-142574940-T-C.
Other names: short protein forms T188A.
Identifiers: ClinVar variation 3692776 (VCV003692776.2).